The following is an entry in ClinVar:

NM_000138.5(FBN1):c.4374T>A (p.Phe1458Leu)

Gene: FBN1 (fibrillin 1; minus strand). Cytogenetic location: 15q21.1.
Variant type: single nucleotide variant.
Coding change: c.4374T>A on transcript NM_000138.5 (MANE Select); coding-DNA position 4374, T replaced by A.
Protein change: p.Phe1458Leu; replaces phenylalanine 1458 with leucine.
Molecular consequence: missense variant.
Genome position (GRCh38, 1-based): chr15:48,470,719, A>T on the plus strand (T>A on the coding strand, the complement: FBN1 is on the minus strand). VCF-style: chr15-48470719-A-T. GRCh37 (hg19) VCF-style: chr15-48762916-A-T.
Other names: c.4374T>A, p.Phe1458Leu (NM_001406716.1); short protein forms F1458L.
Identifiers: ClinVar variation 3340917 (VCV003340917.1).

ClinVar aggregate classification (germline): Uncertain significance (1 of 4 stars; one submission).

Submission:

GeneDx
Classification: Uncertain significance. Last evaluated: 2023-11-03. Review status: criteria provided, single submitter. Criteria: GeneDx Variant Classification Process June 2021. Collection method: clinical testing. Allele origin: germline. Affected: yes.
Comment: Has not been previously published as pathogenic or benign to our knowledge; Not observed at significant frequency in large population cohorts (gnomAD); At the protein level, in silico analysis supports that this missense variant has a deleterious effect on protein structure/function; Although located in a calcium-binding EGF-like domain of the FBN1 gene, it does not affect a cysteine residue within this domain; cysteine substitutions in the calcium-binding EGF-like domains represent the majority of pathogenic missense changes associated with FBN1-related disorders (Collod-Beroud et al., 2003); At the mRNA level, in silico analysis supports a deleterious effect on splicing